The following is an entry in ClinVar:

ClinVar aggregate classification (germline): Uncertain significance. Review status: criteria provided, multiple submitters, no conflicts (2 of 4 stars). 2 submissions from 2 submitters: Uncertain significance (2). Last evaluated 2025-08-13.

Conditions:
LRP5-related disorder. Also called: LRP5-related condition.

Allele frequency attached by ClinVar (database versions not stated): TOPMed below 0.00001; gnomAD 0.00001; gnomAD exomes 0.00001.
gnomAD v4.1: 9 of 1,613,786 alleles (0.00056%); highest among the groups gnomAD compares: Non-Finnish European, 0.00076%; no homozygotes.

Submissions (2):

Labcorp Genetics (formerly Invitae), Labcorp
Classification: Uncertain significance. Last evaluated: 2025-08-13. Review status: criteria provided, single submitter. Criteria: Invitae Variant Classification Sherloc (09022015). Collection method: clinical testing. Allele origin: germline.
Comment: This sequence change replaces serine, which is neutral and polar, with phenylalanine, which is neutral and non-polar, at codon 307 of the LRP5 protein (p.Ser307Phe). This variant is not present in population databases (gnomAD no frequency). This missense change has been observed in individual(s) with clinical features of osteoporosis with retinopathy (PMID: 16252235; internal data). ClinVar contains an entry for this variant (Variation ID: 1406825). Invitae Evidence Modeling of protein sequence and biophysical properties (such as structural, functional, and spatial information, amino acid conservation, physicochemical variation, residue mobility, and thermodynamic stability) indicates that this missense variant is expected to disrupt LRP5 protein function with a positive predictive value of 80%. This variant disrupts the p.Ser307 amino acid residue in LRP5. Other variant(s) that disrupt this residue have been observed in individuals with LRP5-related conditions (PMID: 31169861), which suggests that this may be a clinically significant amino acid residue. In summary, the available evidence is currently insufficient to determine the role of this variant in disease. Therefore, it has been classified as a Variant of Uncertain Significance.

PreventionGenetics, part of Exact Sciences
Classification: Uncertain significance for LRP5-related condition. Last evaluated: 2024-11-11. Review status: criteria provided, single submitter. Criteria: ACMG Guidelines, 2015. Collection method: clinical testing. Allele origin: germline.
Comment: The LRP5 c.920C>T variant is predicted to result in the amino acid substitution p.Ser307Phe. This variant has been reported in the homozygous state in an individual with personal and family history of osteoporosis-pseudoglioma syndrome (Ai et al 2005. PubMed ID: 16252235). An alternate substitution of this amino acid (p.Ser307Tyr) has been reported in the heterozygous state in individuals with presumed autosomal dominant familial exudative vitreoretinopathy (Tian et al 2019. PubMed ID: 31169861; Chen et al. 2022. PubMed ID: 36018796). This variant is absent in a large population database (gnomAD), indicating this variant is rare. Although we suspect that this variant may be pathogenic, at this time, the clinical significance of this variant is uncertain due to the absence of conclusive functional and genetic evidence.

Literature cited by the submitters: PubMed 16252235 (cited by Labcorp Genetics (formerly Invitae), Labcorp); PubMed 31169861 (cited by Labcorp Genetics (formerly Invitae), Labcorp).

NM_002335.4(LRP5):c.920C>T (p.Ser307Phe)

Gene: LRP5 (LDL receptor related protein 5; plus strand). Cytogenetic location: 11q13.2.
Variant type: single nucleotide variant.
Coding change: c.920C>T on transcript NM_002335.4 (MANE Select); coding-DNA position 920, C replaced by T.
Protein change: p.Ser307Phe; replaces serine 307 with phenylalanine.
Molecular consequence: missense variant. On other transcripts: 5 prime UTR variant (1).
Genome position (GRCh38, 1-based): chr11:68,365,607, C>T. VCF-style: chr11-68365607-C-T. GRCh37 (hg19) VCF-style: chr11-68133075-C-T.
Other names: c.920C>T (NM_002335.3); c.-846C>T (NM_001291902.2); short protein forms S307F.
Identifiers: ClinVar variation 1406825 (VCV001406825.9), dbSNP rs1219101402, ClinGen allele CA381611423.
Genomic context (GRCh38, chr11:68,365,607, plus strand): 5'-CTCACTCTGTCCTGGTTTTCTCAGTCCACACTCGCTGTGAGGAGGACAATGGCGGCTGCT[C>T]CCACCTGTGCCTGCTGTCCCCAAGCGAGCCTTTCTACACATGCGCCTGCCCCACGGGTGT-3'
Protein context (NP_002326.2, residues 297-317): TRCEEDNGGC[Ser307Phe]HLCLLSPSEP